The following is an entry in ClinVar:

ClinVar aggregate classification (germline): Pathogenic (1 of 4 stars; one submission).

Conditions:
NF1-related disorder. Also called: NF1-related condition. Identifiers: MedGen CN379171.

Submission:

PreventionGenetics, part of Exact Sciences
Classification: Pathogenic for NF1-related condition. Last evaluated: 2023-04-14. Review status: criteria provided, single submitter. Criteria: ACMG Guidelines, 2015. Collection method: clinical testing. Allele origin: germline.
Comment: The NF1 c.5581_5584delAATT variant is predicted to result in premature protein termination (p.Asn1861*). This variant has been reported in an individual with neurofibromatosis type 1 (referred to as c.5518_5521del AATT in Table S1 - Wimmer et al. 2007. PubMed ID: 17311297). To our knowledge, this variant has not been reported in a large population database, indicating this variant is rare. Nonsense variants in NF1 are expected to be pathogenic. This variant is interpreted as pathogenic.

NM_001042492.3(NF1):c.5581_5584del (p.Leu1860_Asn1861insTer)

Gene: NF1 (neurofibromin 1; plus strand). Cytogenetic location: 17q11.2.
Variant type: Deletion.
Coding change: c.5581_5584del on transcript NM_001042492.3 (MANE Select); coding-DNA positions 5581 to 5584, 4 bases deleted (AATT; older notation c.5581_5584delAATT).
Protein change: p.Leu1860_Asn1861insTer.
Molecular consequence: nonsense. On other transcripts: frameshift variant (1).
Genome position (GRCh38, 1-based): chr17:31,327,811-31,327,814, AATT deleted; deleting any 4 consecutive bases within chr17:31,327,809-31,327,814 gives the same sequence; the c. name uses the placement nearest the transcript's 3' end. VCF-style (leftmost placement, unchanged base first): chr17-31327808-CTTAA-C. GRCh37 (hg19) VCF-style: chr17-29654826-CTTAA-C.
Other names: c.5518_5521delAATT, p.Asn1840Terfs (NM_000267.4).
Identifiers: ClinVar variation 2634358 (VCV002634358.1), dbSNP rs2508708338, ClinGen allele CA2695201297.